The following is an entry in ClinVar:

ClinVar aggregate classification (germline): Uncertain significance. Review status: criteria provided, multiple submitters, no conflicts (2 of 4 stars). 3 submissions from 3 submitters: Uncertain significance (2). 1 of the submissions does not count toward it. Last evaluated 2025-11-20.

Conditions:
FAT2-related disorder. Also called: FAT2-related condition.

gnomAD v4.1: 98 of 1,614,086 alleles (0.0061%); highest among the groups gnomAD compares: Admixed American, 0.14%; no homozygotes.

Submissions (3):

Labcorp Genetics (formerly Invitae), Labcorp
Classification: Uncertain significance. Last evaluated: 2025-11-20. Review status: criteria provided, single submitter. Criteria: Invitae Variant Classification Sherloc (09022015). Collection method: clinical testing. Allele origin: germline.
Comment: This sequence change replaces asparagine, which is neutral and polar, with lysine, which is basic and polar, at codon 3471 of the FAT2 protein (p.Asn3471Lys). This variant is present in population databases (rs369724133, gnomAD 0.2%), and has an allele count higher than expected for a pathogenic variant. This variant has not been reported in the literature in individuals affected with FAT2-related conditions. ClinVar contains an entry for this variant (Variation ID: 2060447). An algorithm developed to predict the effect of missense changes on protein structure and function (PolyPhen-2) suggests that this variant is likely to be tolerated. In summary, the available evidence is currently insufficient to determine the role of this variant in disease. Therefore, it has been classified as a Variant of Uncertain Significance.

Ambry Genetics
Classification: Uncertain significance. Last evaluated: 2023-11-20. Review status: criteria provided, single submitter. Criteria: Ambry Variant Classification Scheme 2023. Collection method: clinical testing. Allele origin: germline.

PreventionGenetics, part of Exact Sciences
Classification: Likely benign for FAT2-related condition. Last evaluated: 2022-03-21. Review status: no assertion criteria provided. Collection method: clinical testing. Allele origin: germline. Not counted in ClinVar's aggregate classification.
Comment: This variant is classified as likely benign based on ACMG/AMP sequence variant interpretation guidelines (Richards et al. 2015 PMID: 25741868, with internal and published modifications).

NM_001447.3(FAT2):c.10413C>A (p.Asn3471Lys)

Genes: FAT2 (FAT atypical cadherin 2; minus strand), SLC36A1 (solute carrier family 36 member 1; plus strand). Cytogenetic location: 5q33.1.
Variant type: single nucleotide variant.
Coding change: c.10413C>A on transcript NM_001447.3 (MANE Select); coding-DNA position 10413, C replaced by A.
Protein change: p.Asn3471Lys; replaces asparagine 3471 with lysine.
Molecular consequence: missense variant.
Genome position (GRCh38, 1-based): chr5:151,525,861, G>T on the plus strand (C>A on the coding strand, the complement: FAT2 is on the minus strand). VCF-style: chr5-151525861-G-T. GRCh37 (hg19) VCF-style: chr5-150905422-G-T.
Other names: c.10413C>A (NM_001447.2); short protein forms N3471K.
Identifiers: ClinVar variation 2060447 (VCV002060447.7), dbSNP rs369724133, ClinGen allele CA3520258.
Genomic context (GRCh38, chr5:151,525,861, plus strand): 5'-CCTGCTTAGGCCCTCAGCAGTCACCAGCCATCCATCCGGGGTCACTCGGAAGGCAGAGCC[G>T]TTGTTCCCCTTGGTGATTCGAAACGAGTAGGGGGGGCCATTCTCTGGAGAATCTGGGTCA-3'
Protein context (NP_001438.1, residues 3461-3481): PYSFRITKGN[Asn3471Lys]GSAFRVTPDG